The following is an entry in ClinVar:

ClinVar aggregate classification (germline): Benign (1 of 4 stars; one submission).

Conditions:
Dyskeratosis congenita. Identifiers: Orphanet 1775, MedGen C0265965, MONDO:0015780.

Allele frequency attached by ClinVar (database versions not stated): 1000 Genomes Project 0.10443; 1000 Genomes Project 30x 0.10493; TOPMed 0.17162; gnomAD exomes 0.17241.

Submission:

Illumina Laboratory Services, Illumina
Classification: Benign for Dyskeratosis congenita. Last evaluated: 2018-01-12. Review status: criteria provided, single submitter. Criteria: ICSL Variant Classification Criteria 13 December 2019. Collection method: clinical testing. Allele origin: germline.
Comment: This variant was observed in the ICSL laboratory as part of a predisposition screen in an ostensibly healthy population. It had not been previously curated by ICSL or reported in the Human Gene Mutation Database (HGMD: prior to June 1st, 2018), and was therefore a candidate for classification through an automated scoring system. Utilizing variant allele frequency, disease prevalence and penetrance estimates, and inheritance mode, an automated score was calculated to assess if this variant is too frequent to cause the disease. Based on the score and internal cut-off values, a variant classified as benign is not then subjected to further curation. The score for this variant resulted in a classification of benign for this disease.

NM_025099.6(CTC1):c.*1960C>G

Gene: CTC1 (CST telomere replication complex component 1; minus strand). Cytogenetic location: 17p13.1.
Variant type: single nucleotide variant.
Coding change: c.*1960C>G on transcript NM_025099.6 (MANE Select); 1960 bases downstream of the stop codon, C replaced by G.
Molecular consequence: 3 prime UTR variant. On other transcripts: non-coding transcript variant (1).
Genome position (GRCh38, 1-based): chr17:8,226,220, G>C on the plus strand (C>G on the coding strand, the complement: CTC1 is on the minus strand). VCF-style: chr17-8226220-G-C. GRCh37 (hg19) VCF-style: chr17-8129538-G-C.
Identifiers: ClinVar variation 325999 (VCV000325999.5), dbSNP rs11650309, ClinGen allele CA10640989.